The following is an entry in ClinVar:

ClinVar aggregate classification (germline): Pathogenic (1 of 4 stars; one submission).

Conditions:
Tay-Sachs disease (TSD). Also called: GM2 gangliosidosis, type 1; Hexosaminidase alpha-subunit deficiency (variant B); Sphingolipidosis, Tay-Sachs; Hexosaminidase A Deficiency; HEXA DEFICIENCY; HEXA Disorders. Identifiers: Orphanet 845, MedGen C0039373, MONDO:0010100, OMIM 272800.

Allele frequency attached by ClinVar (database versions not stated): gnomAD exomes below 0.00001.
gnomAD v4.1: 1 of 1,613,674 alleles (0.000062%); highest among the groups gnomAD compares: Non-Finnish European, 0.000085%; no homozygotes.

Submission:

Labcorp Genetics (formerly Invitae), Labcorp
Classification: Pathogenic for Tay-Sachs disease. Last evaluated: 2022-02-07. Review status: criteria provided, single submitter. Criteria: Invitae Variant Classification Sherloc (09022015). Collection method: clinical testing. Allele origin: germline.
Comment: This variant is not present in population databases (gnomAD no frequency). For these reasons, this variant has been classified as Pathogenic. This variant disrupts a region of the HEXA protein in which other variant(s) (p.Leu517Profs*7) have been determined to be pathogenic (PMID: 9150157; Invitae). This suggests that this is a clinically significant region of the protein, and that variants that disrupt it are likely to be disease-causing. This premature translational stop signal has been observed in individual(s) with Tay-Sachs disease (PMID: 22441121). This sequence change creates a premature translational stop signal (p.Gln513*) in the HEXA gene. While this is not anticipated to result in nonsense mediated decay, it is expected to disrupt the last 17 amino acid(s) of the HEXA protein.

Literature cited by the submitters: PubMed 9150157; PubMed 22441121.

NM_000520.6(HEXA):c.1537C>T (p.Gln513Ter)

Gene: HEXA (hexosaminidase subunit alpha; minus strand). Cytogenetic location: 15q23.
Variant type: single nucleotide variant.
Coding change: c.1537C>T on transcript NM_000520.6 (MANE Select); coding-DNA position 1537, C replaced by T.
Protein change: p.Gln513Ter; replaces glutamine 513 with a stop codon.
Molecular consequence: nonsense.
Genome position (GRCh38, 1-based): chr15:72,344,130, G>A on the plus strand (C>T on the coding strand, the complement: HEXA is on the minus strand). VCF-style: chr15-72344130-G-A. GRCh37 (hg19) VCF-style: chr15-72636471-G-A.
Other names: c.1570C>T, p.Gln524Ter (NM_001318825.2); short protein forms Q513*, Q524*.
Identifiers: ClinVar variation 2137728 (VCV002137728.4), dbSNP rs2542505710, ClinGen allele CA393057526.